The following is an entry in ClinVar:

NM_000316.3(PTH1R):c.1694A>G (p.Asn565Ser)

Gene: PTH1R (parathyroid hormone 1 receptor; plus strand). Cytogenetic location: 3p21.31.
Variant type: single nucleotide variant.
Coding change: c.1694A>G on transcript NM_000316.3 (MANE Select); coding-DNA position 1694, A replaced by G.
Protein change: p.Asn565Ser; replaces asparagine 565 with serine.
Molecular consequence: missense variant.
Genome position (GRCh38, 1-based): chr3:46,903,568, A>G. VCF-style: chr3-46903568-A-G. GRCh37 (hg19) VCF-style: chr3-46945058-A-G.
Other names: c.1694A>G, p.Asn565Ser (NM_001184744.1); short protein forms N565S.
Identifiers: ClinVar variation 1357492 (VCV001357492.6), dbSNP rs980574692, ClinGen allele CA73773137.

ClinVar aggregate classification (germline): Uncertain significance (1 of 4 stars; one submission).

Allele frequency attached by ClinVar (database versions not stated): gnomAD exomes below 0.00001.
gnomAD v4.1: 2 of 1,613,758 alleles (0.00012%); highest among the groups gnomAD compares: East Asian, 0.0022%; no homozygotes.

Submission:

Labcorp Genetics (formerly Invitae), Labcorp
Classification: Uncertain significance. Last evaluated: 2022-06-13. Review status: criteria provided, single submitter. Criteria: Invitae Variant Classification Sherloc (09022015). Collection method: clinical testing. Allele origin: germline.
Comment: This sequence change replaces asparagine, which is neutral and polar, with serine, which is neutral and polar, at codon 565 of the PTH1R protein (p.Asn565Ser). This variant is not present in population databases (gnomAD no frequency). This variant has not been reported in the literature in individuals affected with PTH1R-related conditions. Algorithms developed to predict the effect of missense changes on protein structure and function are either unavailable or do not agree on the potential impact of this missense change (SIFT: "Deleterious"; PolyPhen-2: "Benign"; Align-GVGD: "Class C45"). In summary, the available evidence is currently insufficient to determine the role of this variant in disease. Therefore, it has been classified as a Variant of Uncertain Significance.